The following is an entry in ClinVar:

ClinVar aggregate classification (germline): Uncertain significance. Review status: criteria provided, multiple submitters, no conflicts (2 of 4 stars). 2 submissions from 2 submitters: Uncertain significance (2). Last evaluated 2025-08-11.

Conditions:
Inborn genetic diseases. Identifiers: MedGen C0950123, MeSH D030342.

Allele frequency attached by ClinVar (database versions not stated): gnomAD exomes below 0.00001; ExAC 0.00001; TOPMed 0.00002; gnomAD 0.00001.
gnomAD v4.1: 7 of 1,613,480 alleles (0.00043%); highest among the groups gnomAD compares: Admixed American, 0.0067%; no homozygotes.

Submissions (2):

Labcorp Genetics (formerly Invitae), Labcorp
Classification: Uncertain significance. Last evaluated: 2025-08-11. Review status: criteria provided, single submitter. Criteria: Invitae Variant Classification Sherloc (09022015). Collection method: clinical testing. Allele origin: germline.
Comment: This sequence change replaces methionine, which is neutral and non-polar, with valine, which is neutral and non-polar, at codon 392 of the MAP3K7 protein (p.Met392Val). This variant is present in population databases (rs771091309, gnomAD 0.009%). This variant has not been reported in the literature in individuals affected with MAP3K7-related conditions. ClinVar contains an entry for this variant (Variation ID: 2460302). An algorithm developed to predict the effect of missense changes on protein structure and function (PolyPhen-2) suggests that this variant is likely to be tolerated. In summary, the available evidence is currently insufficient to determine the role of this variant in disease. Therefore, it has been classified as a Variant of Uncertain Significance.

Ambry Genetics
Classification: Uncertain significance for Inborn genetic diseases. Last evaluated: 2023-01-26. Review status: criteria provided, single submitter. Criteria: Ambry Variant Classification Scheme 2023. Collection method: clinical testing. Allele origin: germline.

NM_145331.3(MAP3K7):c.1174A>G (p.Met392Val)

Gene: MAP3K7 (mitogen-activated protein kinase kinase kinase 7; minus strand). Cytogenetic location: 6q15.
Variant type: single nucleotide variant.
Coding change: c.1174A>G on transcript NM_145331.3 (MANE Select); coding-DNA position 1174, A replaced by G.
Protein change: p.Met392Val; replaces methionine 392 with valine.
Molecular consequence: missense variant.
Genome position (GRCh38, 1-based): chr6:90,547,294, T>C on the plus strand (A>G on the coding strand, the complement: MAP3K7 is on the minus strand). VCF-style: chr6-90547294-T-C. GRCh37 (hg19) VCF-style: chr6-91257013-T-C.
Other names: c.1174A>G, p.Met392Val (NM_003188.4, NM_145332.3, NM_145333.3); short protein forms M392V.
Identifiers: ClinVar variation 2460302 (VCV002460302.5), dbSNP rs771091309, ClinGen allele CA3928452.